The following is an entry in ClinVar:

NM_007315.4(STAT1):c.1380C>T (p.Asn460=)

Gene: STAT1 (signal transducer and activator of transcription 1; minus strand). Cytogenetic location: 2q32.2.
Variant type: single nucleotide variant.
Coding change: c.1380C>T on transcript NM_007315.4 (MANE Select); coding-DNA position 1380, C replaced by T.
Protein change: p.Asn460=; no amino-acid change (asparagine 460 retained).
Molecular consequence: synonymous variant.
Genome position (GRCh38, 1-based): chr2:190,983,708, G>A on the plus strand (C>T on the coding strand, the complement: STAT1 is on the minus strand). VCF-style: chr2-190983708-G-A. GRCh37 (hg19) VCF-style: chr2-191848434-G-A.
Other names: c.1320C>T, p.Asn440= (NM_001384880.1); c.1386C>T, p.Asn462= (NM_001384881.1, NM_001384884.1); c.1374C>T, p.Asn458= (NM_001384882.1); c.1281C>T, p.Asn427= (NM_001384883.1); c.1221C>T, p.Asn407= (NM_001384885.1); c.1380C>T, p.Asn460= (NM_001384886.1, NM_001384889.1, NM_139266.3); c.1287C>T, p.Asn429= (NM_001384887.1); c.1350C>T, p.Asn450= (NM_001384888.1); and 2 more.
Identifiers: ClinVar variation 2190429 (VCV002190429.4), dbSNP rs150942324, ClinGen allele CA2029940.

ClinVar aggregate classification (germline): Uncertain significance (1 of 4 stars; one submission).

Conditions:
Mendelian susceptibility to mycobacterial diseases due to partial STAT1 deficiency. Also called: IMMUNODEFICIENCY 31A, MYCOBACTERIOSIS, AUTOSOMAL DOMINANT; STAT1 DEFICIENCY, AUTOSOMAL DOMINANT; Immunodeficiency 31a. Identifiers: Orphanet 319595, MedGen C4013950, MONDO:0013956, OMIM 614892.
Immunodeficiency 31B. Also called: STAT1 DEFICIENCY, AUTOSOMAL RECESSIVE; IMMUNODEFICIENCY 31B, MYCOBACTERIAL AND VIRAL INFECTIONS, AUTOSOMAL RECESSIVE. Identifiers: Orphanet 391311, MedGen C3151088, MONDO:0013427, OMIM 613796.
Autoimmune enteropathy and endocrinopathy - susceptibility to chronic infections syndrome. Also called: Immunodeficiency 31C; Immunodeficiency 31C, autosomal dominant. Identifiers: Orphanet 391487, MedGen C3279990, MONDO:0013599, OMIM 614162.

Allele frequency attached by ClinVar (database versions not stated): ExAC 0.00001; TOPMed 0.00002; gnomAD exomes 0.00001; gnomAD 0.00003; ESP Exome Variant Server 0.00008.
gnomAD v4.1: 18 of 1,614,048 alleles (0.0011%); highest among the groups gnomAD compares: Admixed American, 0.0017%; no homozygotes.

Submission:

Labcorp Genetics (formerly Invitae), Labcorp
Classification: Uncertain significance for Mendelian susceptibility to mycobacterial diseases due to partial STAT1 deficiency; Immunodeficiency 31B; Autoimmune enteropathy and endocrinopathy - susceptibility to chronic infections syndrome. Last evaluated: 2025-12-30. Review status: criteria provided, single submitter. Criteria: Invitae Variant Classification Sherloc (09022015). Collection method: clinical testing. Allele origin: germline.
Comment: This sequence change affects codon 460 of the STAT1 mRNA. It is a 'silent' change, meaning that it does not change the encoded amino acid sequence of the STAT1 protein. This variant is present in population databases (rs150942324, gnomAD 0.006%). This variant has not been reported in the literature in individuals affected with STAT1-related conditions. ClinVar contains an entry for this variant (Variation ID: 2190429). Algorithms developed to predict the effect of sequence changes on RNA splicing suggest that this variant may disrupt the consensus splice site. In summary, the available evidence is currently insufficient to determine the role of this variant in disease. Therefore, it has been classified as a Variant of Uncertain Significance.